The following is an entry in ClinVar:

NM_001009944.3(PKD1):c.2391G>A (p.Glu797=)

Gene: PKD1 (polycystin 1, transient receptor potential channel interacting; minus strand). Cytogenetic location: 16p13.3.
Variant type: single nucleotide variant.
Coding change: c.2391G>A on transcript NM_001009944.3 (MANE Select); coding-DNA position 2391, G replaced by A.
Protein change: p.Glu797=; no amino-acid change (glutamic acid 797 retained).
Molecular consequence: synonymous variant.
Genome position (GRCh38, 1-based): chr16:2,114,632, C>T on the plus strand (G>A on the coding strand, the complement: PKD1 is on the minus strand). VCF-style: chr16-2114632-C-T. GRCh37 (hg19) VCF-style: chr16-2164633-C-T.
Other names: c.2391G>A, p.Glu797= (NM_000296.4).
Identifiers: ClinVar variation 2646024 (VCV002646024.24), dbSNP rs2092598849, ClinGen allele CA493049573.

ClinVar aggregate classification (germline): Uncertain significance (1 of 4 stars; one submission).

Submission:

CeGaT Center for Human Genetics Tuebingen
Classification: Uncertain significance. Last evaluated: 2023-07-01. Review status: criteria provided, single submitter. Criteria: CeGaT Center For Human Genetics Tuebingen Variant Classification Criteria Version 2. Collection method: clinical testing. Allele origin: germline. Affected: yes. Observed: 1 variant allele.
Comment: PKD1: PM2:Supporting, BP4